The following is an entry in ClinVar:

NM_005219.5(DIAPH1):c.2944C>G (p.Leu982Val)

Gene: DIAPH1 (diaphanous related formin 1; minus strand). Cytogenetic location: 5q31.3.
Variant type: single nucleotide variant.
Coding change: c.2944C>G on transcript NM_005219.5 (MANE Select); coding-DNA position 2944, C replaced by G.
Protein change: p.Leu982Val; replaces leucine 982 with valine.
Molecular consequence: missense variant.
Genome position (GRCh38, 1-based): chr5:141,528,776, G>C on the plus strand (C>G on the coding strand, the complement: DIAPH1 is on the minus strand). VCF-style: chr5-141528776-G-C. GRCh37 (hg19) VCF-style: chr5-140908343-G-C.
Other names: c.2917C>G, p.Leu973Val (NM_001079812.3); c.2944C>G, p.Leu982Val (NM_001314007.2); short protein forms L973V, L982V.
Identifiers: ClinVar variation 2125045 (VCV002125045.4), dbSNP rs1431409262, ClinGen allele CA361584300.

ClinVar aggregate classification (germline): Uncertain significance (1 of 4 stars; one submission).

Conditions:
Progressive microcephaly-seizures-cortical blindness-developmental delay syndrome. Also called: Seizures, cortical blindness, and microcephaly syndrome. Identifiers: Orphanet 477814, MedGen C5567650, MONDO:0014714, OMIM 616632.
Autosomal dominant nonsyndromic hearing loss 1. Also called: DEAFNESS, AUTOSOMAL DOMINANT 1, WITH OR WITHOUT THROMBOCYTOPENIA; KONIGSMARK SYNDROME. Identifiers: Orphanet 90635, MedGen C1852282, MONDO:0007424, OMIM 124900.

Submission:

Labcorp Genetics (formerly Invitae), Labcorp
Classification: Uncertain significance for Progressive microcephaly-seizures-cortical blindness-developmental delay syndrome; Autosomal dominant nonsyndromic hearing loss 1. Last evaluated: 2022-04-12. Review status: criteria provided, single submitter. Criteria: Invitae Variant Classification Sherloc (09022015). Collection method: clinical testing. Allele origin: germline.
Comment: In summary, the available evidence is currently insufficient to determine the role of this variant in disease. Therefore, it has been classified as a Variant of Uncertain Significance. Algorithms developed to predict the effect of missense changes on protein structure and function are either unavailable or do not agree on the potential impact of this missense change (SIFT: "Deleterious"; PolyPhen-2: "Probably Damaging"; Align-GVGD: "Class C0"). This variant has not been reported in the literature in individuals affected with DIAPH1-related conditions. This variant is not present in population databases (gnomAD no frequency). This sequence change replaces leucine, which is neutral and non-polar, with valine, which is neutral and non-polar, at codon 982 of the DIAPH1 protein (p.Leu982Val).